The following is an entry in ClinVar:

ClinVar aggregate classification (germline): Likely pathogenic (1 of 4 stars; one submission).

Conditions:
Dilated cardiomyopathy 1G (CMD1G). Identifiers: Orphanet 154, MedGen C1858763, MONDO:0011400, OMIM 604145.
Autosomal recessive limb-girdle muscular dystrophy type 2J (LGMDR10). Also called: Limb-girdle muscular dystrophy, type 2J; MUSCULAR DYSTROPHY, LIMB-GIRDLE, AUTOSOMAL RECESSIVE 10. Identifiers: Orphanet 140922, MedGen C1837342, MONDO:0012127, OMIM 608807.

Allele frequency attached by ClinVar (database versions not stated): TOPMed below 0.00001; gnomAD 0.00001.

Submission:

Labcorp Genetics (formerly Invitae), Labcorp
Classification: Likely pathogenic for Dilated cardiomyopathy 1G; Autosomal recessive limb-girdle muscular dystrophy type 2J. Last evaluated: 2025-09-10. Review status: criteria provided, single submitter. Criteria: Invitae Variant Classification Sherloc (09022015). Collection method: clinical testing. Allele origin: germline.
Comment: This sequence change creates a premature translational stop signal (p.Asp20808Glufs*5) in the TTN gene. While this is not anticipated to result in nonsense mediated decay, it is expected to create a truncated TTN protein. This variant is present in population databases (no rsID available, gnomAD 0.007%). This premature translational stop signal has been observed in individual(s) with early-onset atrial fibrillation (PMID: 30535219). ClinVar contains an entry for this variant (Variation ID: 1068218). This variant is located in the A band of TTN (PMID: 25589632). Truncating variants in this region are significantly overrepresented in patients affected with dilated cardiomyopathy (PMID: 25589632). Truncating variants in this region have also been reported in individuals affected with autosomal recessive centronuclear myopathy (PMID: 23975875). In summary, the currently available evidence indicates that the variant is pathogenic, but additional data are needed to prove that conclusively. Therefore, this variant has been classified as Likely Pathogenic.

Literature cited by the submitters: PubMed 30535219; PubMed 25589632; PubMed 23975875.

NM_001267550.2(TTN):c.62424del (p.Asp20808fs)

Genes: TTN-AS1 (TTN antisense RNA 1; plus strand), TTN (titin; minus strand). Cytogenetic location: 2q31.2.
Variant type: Deletion.
Coding change: c.62424del on transcript NM_001267550.2 (MANE Select); coding-DNA position 62424, one base deleted (C; older notation c.62424delC).
Protein change: p.Asp20808fs; shifts the reading frame from aspartic acid 20808.
Molecular consequence: frameshift variant.
Genome position (GRCh38, 1-based): chr2:178,589,301, G deleted on the plus strand (C on the coding strand, the reverse complement: TTN is on the minus strand). VCF-style (leftmost placement, unchanged base first): chr2-178589300-CG-C. GRCh37 (hg19) VCF-style: chr2-179454027-CG-C.
Other names: c.57501del, p.Asp19167fs (NM_001256850.1); c.35229del, p.Asp11743fs (NM_003319.4); c.54720del, p.Asp18240fs (NM_133378.4); c.35604del, p.Asp11868fs (NM_133432.3); c.35805del, p.Asp11935fs (NM_133437.4); short protein forms D11743fs, D11868fs, D11935fs, D18240fs, D19167fs, D20808fs.
Identifiers: ClinVar variation 1068218 (VCV001068218.7), dbSNP rs1250302805, ClinGen allele CA538435548.
Genomic context (GRCh38, chr2:178,589,300, plus strand): 5'-ATTTAGATGAATCAGCACGGGTATCAATCTTGACCCTTGGTGATCTTGTTAAGTCTGTAG[CG>C]TCTTTGTCCTTGGTCCATGCAACTTCTGGGAATGGTTTGCCTCTAACCCCTGCCTCAAGC-3'